The following is an entry in ClinVar:

NM_173551.5(ANKS6):c.1322A>G (p.Gln441Arg)

Gene: ANKS6 (ankyrin repeat and sterile alpha motif domain containing 6; minus strand). Cytogenetic location: 9q22.33.
Variant type: single nucleotide variant.
Coding change: c.1322A>G on transcript NM_173551.5 (MANE Select); coding-DNA position 1322, A replaced by G.
Protein change: p.Gln441Arg; replaces glutamine 441 with arginine.
Molecular consequence: missense variant.
Genome position (GRCh38, 1-based): chr9:98,780,235, T>C on the plus strand (A>G on the coding strand, the complement: ANKS6 is on the minus strand). VCF-style: chr9-98780235-T-C. GRCh37 (hg19) VCF-style: chr9-101542517-T-C.
Other names: short protein forms Q441R.
Identifiers: ClinVar variation 64355 (VCV000064355.16), dbSNP rs377750405, ClinGen allele CA144684.

ClinVar aggregate classification (germline): Conflicting classifications of pathogenicity. Review status: criteria provided, conflicting classifications (1 of 4 stars). 7 submissions from 7 submitters: Uncertain significance (1); Benign (1); Likely benign (3). 2 of the submissions do not count toward it. Last evaluated 2026-01-06.

Conditions:
ANKS6-related disorder. Also called: ANKS6-related condition.
Nephronophthisis 16 (NPHP16). Identifiers: Orphanet 655, MedGen C3809320, MONDO:0014158, OMIM 615382.

Allele frequency attached by ClinVar (database versions not stated): gnomAD 0.00006 and 0.00019; TOPMed 0.00007; ESP Exome Variant Server 0.00008; 1000 Genomes Project 30x 0.00031; gnomAD exomes 0.00035 and 0.00075; 1000 Genomes Project 0.00040; ExAC 0.00097.
gnomAD v4.1: 547 of 1,614,084 alleles (0.034%); highest among the groups gnomAD compares: South Asian, 0.49%; 11 homozygotes.

Submissions (7):

Labcorp Genetics (formerly Invitae), Labcorp
Classification: Benign for Nephronophthisis 16. Last evaluated: 2026-01-06. Review status: criteria provided, single submitter. Criteria: Invitae Variant Classification Sherloc (09022015). Collection method: clinical testing. Allele origin: germline.

PreventionGenetics, part of Exact Sciences
Classification: Likely benign for ANKS6-related condition. Last evaluated: 2025-07-15. Review status: criteria provided, single submitter. Criteria: ACMG Guidelines, 2015. Collection method: clinical testing. Allele origin: germline.
Comment: This variant is classified as likely benign based on ACMG/AMP sequence variant interpretation guidelines (Richards et al. 2015 PMID: 25741868, with internal and published modifications).

Fulgent Genetics
Classification: Likely benign for Nephronophthisis 16. Last evaluated: 2024-02-08. Review status: criteria provided, single submitter. Criteria: ACMG Guidelines, 2015. Collection method: clinical testing. Allele origin: germline.

Department of Pathology and Laboratory Medicine, Sinai Health System
Classification: Likely benign for nephronophthisis 16. Last evaluated: 2023-04-17. Review status: criteria provided, single submitter. Criteria: ACMG Guidelines, 2015. Collection method: research. Allele origin: germline.

Revvity Omics, Revvity
Classification: Uncertain significance for Nephronophthisis 16. Last evaluated: 2019-08-07. Review status: criteria provided, single submitter. Criteria: ACMG Guidelines, 2015. Collection method: clinical testing. Allele origin: germline.

Reproductive Health Research and Development, BGI Genomics
Classification: Likely pathogenic for Nephronophthisis 16. Last evaluated: 2020-01-06. Review status: no assertion criteria provided. Collection method: curation. Allele origin: germline. Not counted in ClinVar's aggregate classification.
Comment: NM_173551.3:c.1322A>G in the ANKS6 gene has an allele frequency of 0.006 in South Asian subpopulation in the gnomAD database. The FKTN c.1322A>G (p.Gln441Arg) variant has been detected in a family with polycystic kidney disease in homozygous state (PMID: 23793029). Functional studies revealed that p.Gln441Arg was deleterious for protein function (PMID: 23793029). Pathogenic computational verdict because pathogenic predictions from DANN, EIGEN, FATHMM-MKL, M-CAP, MutationAssessor and MutationTaster. Taken together, we interprete this variant as Pathogenic/Likely pathogenic. ACMG/AMP Criteria applied: PM3; PS3; PP3.

OMIM
Classification: Pathogenic for NEPHRONOPHTHISIS 16. Last evaluated: 2013-08-01. Review status: no assertion criteria provided. Collection method: literature only. Allele origin: germline. Not counted in ClinVar's aggregate classification.

Literature cited by the submitters: PubMed 23793029 (cited by OMIM).